The following is an entry in ClinVar:

NM_000150.4(FUT6):c.138T>C (p.Asn46=)

Gene: FUT6 (fucosyltransferase 6; minus strand). Cytogenetic location: 19p13.3.
Variant type: single nucleotide variant.
Coding change: c.138T>C on transcript NM_000150.4 (MANE Select); coding-DNA position 138, T replaced by C.
Protein change: p.Asn46=; no amino-acid change (asparagine 46 retained).
Molecular consequence: synonymous variant.
Genome position (GRCh38, 1-based): chr19:5,832,430, A>G on the plus strand (T>C on the coding strand, the complement: FUT6 is on the minus strand). VCF-style: chr19-5832430-A-G. GRCh37 (hg19) VCF-style: chr19-5832441-A-G.
Other names: c.138T>C, p.Asn46= (NM_001040701.2, NM_001369502.1, NM_001369504.1 and 6 more transcripts).
Identifiers: ClinVar variation 3053671 (VCV003053671.2), dbSNP rs199791598, ClinGen allele CA9118085.
Genomic context (GRCh38, chr19:5,832,430, plus strand): 5'-CAGCAGGATCAGGGGGATGGAGTGGGCGGGGGTCCCTGTGCTGTCTGGGAAGCGGGACCC[A>G]TTAGGGTACACAGTGGGATCGTCTTGAGACACACGCAGATAGGAGAAGAAACACACAGCC-3'
Protein context (NP_000141.1, residues 36-56): VSQDDPTVYP[Asn46=]GSRFPDSTGT

ClinVar aggregate classification (germline): Likely benign (0 of 4 stars; one submission).

Conditions:
FUT6-related disorder. Also called: FUT6-related condition.

Allele frequency attached by ClinVar (database versions not stated): ExAC 0.00002; TOPMed 0.00002; gnomAD 0.00003; ESP Exome Variant Server 0.00008; gnomAD exomes 0.00009; 1000 Genomes Project 30x 0.00016; 1000 Genomes Project 0.00020.
gnomAD v4.1: 132 of 1,613,996 alleles (0.0082%); highest among the groups gnomAD compares: Non-Finnish European, 0.01%; no homozygotes.

Submission:

PreventionGenetics, part of Exact Sciences
Classification: Likely benign for FUT6-related condition. Last evaluated: 2019-08-20. Review status: no assertion criteria provided. Collection method: clinical testing. Allele origin: germline.
Comment: This variant is classified as likely benign based on ACMG/AMP sequence variant interpretation guidelines (Richards et al. 2015 PMID: 25741868, with internal and published modifications).